The following is an entry in ClinVar:

NM_000368.5(TSC1):c.114C>T (p.Gly38=)

Gene: TSC1 (TSC complex subunit 1; minus strand). Cytogenetic location: 9q34.13.
Variant type: single nucleotide variant.
Coding change: c.114C>T on transcript NM_000368.5 (MANE Select); coding-DNA position 114, C replaced by T.
Protein change: p.Gly38=; no amino-acid change (glycine 38 retained).
Molecular consequence: synonymous variant. On other transcripts: 5 prime UTR variant (9), non-coding transcript variant (4), intron variant (9).
Genome position (GRCh38, 1-based): chr9:132,927,297, G>A on the plus strand (C>T on the coding strand, the complement: TSC1 is on the minus strand). VCF-style: chr9-132927297-G-A. GRCh37 (hg19) VCF-style: chr9-135802684-G-A.
Other names: c.114C>T, p.Gly38= (NM_001162426.2, NM_001162427.2, NM_001406592.1 and 21 more transcripts); c.-375C>T (NM_001406615.1, NM_001406623.1); c.-342C>T (NM_001406616.1, NM_001406624.1); c.-764C>T (NM_001406626.1, NM_001406627.1, NM_001406628.1); c.-906C>T (NM_001406629.1); c.-980C>T (NM_001406630.1); c.-153-1558C>T (NM_001406620.1, NM_001406618.1); c.-154+1470C>T (NM_001406625.1, NM_001406621.1, NM_001406617.1 and 3 more transcripts); and 1 more.
Identifiers: ClinVar variation 1733546 (VCV001733546.8), dbSNP rs776158461, ClinGen allele CA467594304.

ClinVar aggregate classification (germline): Benign/Likely benign. Review status: criteria provided, multiple submitters, no conflicts (2 of 4 stars). 3 submissions from 3 submitters: Benign (1); Likely benign (2). Last evaluated 2025-04-07.

Conditions:
Hereditary cancer-predisposing syndrome. Also called: Neoplastic Syndromes, Hereditary; Tumor predisposition; Hereditary Cancer Syndrome; Hereditary neoplastic syndrome. Identifiers: Orphanet 140162, MedGen C0027672, MeSH D009386, MONDO:0015356.
Tuberous sclerosis 1 (TSC1). Identifiers: Orphanet 805, MedGen C1854465, MONDO:0008612, OMIM 191100.

gnomAD v4.1: 5 of 1,613,506 alleles (0.00031%); highest among the groups gnomAD compares: Admixed American, 0.005%; no homozygotes.

Submissions (3):

Myriad Genetics, Inc.
Classification: Benign for Tuberous sclerosis 1. Last evaluated: 2025-04-07. Review status: criteria provided, single submitter. Criteria: Myriad Autosomal Dominant, Autosomal Recessive and X-Linked Classification Criteria (2023). Collection method: clinical testing. Allele origin: unknown.
Comment: This variant is considered benign. This variant is a silent/synonymous amino acid change and it is not expected to impact splicing.

Labcorp Genetics (formerly Invitae), Labcorp
Classification: Likely benign for Tuberous sclerosis 1. Last evaluated: 2024-12-28. Review status: criteria provided, single submitter. Criteria: Invitae Variant Classification Sherloc (09022015). Collection method: clinical testing. Allele origin: germline.

Ambry Genetics
Classification: Likely benign for Hereditary cancer-predisposing syndrome. Last evaluated: 2020-11-17. Review status: criteria provided, single submitter. Criteria: Ambry Variant Classification Scheme 2023. Collection method: clinical testing. Allele origin: germline.